The following is an entry in ClinVar:

NM_000428.3(LTBP2):c.751G>A (p.Ala251Thr)

Gene: LTBP2 (latent transforming growth factor beta binding protein 2; minus strand). Cytogenetic location: 14q24.3.
Variant type: single nucleotide variant.
Coding change: c.751G>A on transcript NM_000428.3 (MANE Select); coding-DNA position 751, G replaced by A.
Protein change: p.Ala251Thr; replaces alanine 251 with threonine.
Molecular consequence: missense variant.
Genome position (GRCh38, 1-based): chr14:74,585,933, C>T on the plus strand (G>A on the coding strand, the complement: LTBP2 is on the minus strand). VCF-style: chr14-74585933-C-T. GRCh37 (hg19) VCF-style: chr14-75052636-C-T.
Other names: short protein forms A251T.
Identifiers: ClinVar variation 1987196 (VCV001987196.1), dbSNP rs781644874, ClinGen allele CA7270105.

ClinVar aggregate classification (germline): Uncertain significance (1 of 4 stars; one submission).

Allele frequency attached by ClinVar (database versions not stated): ExAC 0.00002; gnomAD 0.00004; TOPMed 0.00005.
gnomAD v4.1: 149 of 1,613,798 alleles (0.0092%); highest among the groups gnomAD compares: Non-Finnish European, 0.012%; no homozygotes.

Submission:

Labcorp Genetics (formerly Invitae), Labcorp
Classification: Uncertain significance. Last evaluated: 2022-05-21. Review status: criteria provided, single submitter. Criteria: Invitae Variant Classification Sherloc (09022015). Collection method: clinical testing. Allele origin: germline.
Comment: This sequence change replaces alanine, which is neutral and non-polar, with threonine, which is neutral and polar, at codon 251 of the LTBP2 protein (p.Ala251Thr). This variant is present in population databases (rs781644874, gnomAD 0.004%). This variant has not been reported in the literature in individuals affected with LTBP2-related conditions. Algorithms developed to predict the effect of missense changes on protein structure and function output the following: SIFT: "Tolerated"; PolyPhen-2: "Benign"; Align-GVGD: "Class C0". The threonine amino acid residue is found in multiple mammalian species, which suggests that this missense change does not adversely affect protein function. In summary, the available evidence is currently insufficient to determine the role of this variant in disease. Therefore, it has been classified as a Variant of Uncertain Significance.